The following is an entry in ClinVar:

ClinVar aggregate classification (germline): Conflicting classifications of pathogenicity. Review status: criteria provided, conflicting classifications (1 of 4 stars). 3 submissions from 3 submitters: Uncertain significance (2); Benign (1). Last evaluated 2024-12-29.

Conditions:
Hereditary cancer-predisposing syndrome. Also called: Neoplastic Syndromes, Hereditary; Hereditary neoplastic syndrome; Hereditary Cancer Syndrome; Tumor predisposition. Identifiers: Orphanet 140162, MedGen C0027672, MeSH D009386, MONDO:0015356.
Gorlin syndrome. Also called: Nevoid Basal Cell Carcinoma Syndrome; Basal cell nevus syndrome. Identifiers: Orphanet 377, MedGen C0004779, MONDO:0007187.

Allele frequency attached by ClinVar (database versions not stated): gnomAD exomes below 0.00001; TOPMed below 0.00001; ExAC 0.00001.
gnomAD v4.1: 5 of 1,614,076 alleles (0.00031%); highest among the groups gnomAD compares: South Asian, 0.0033%; no homozygotes.

Submissions (3):

Ambry Genetics
Classification: Uncertain significance for Hereditary cancer-predisposing syndrome. Last evaluated: 2024-12-29. Review status: criteria provided, single submitter. Criteria: Ambry Variant Classification Scheme 2023. Collection method: clinical testing. Allele origin: germline.
Comment: The p.A521T variant (also known as c.1561G>A), located in coding exon 11 of the PTCH1 gene, results from a G to A substitution at nucleotide position 1561. The alanine at codon 521 is replaced by threonine, an amino acid with similar properties. This amino acid position is highly conserved in available vertebrate species. In addition, this alteration is predicted to be deleterious by in silico analysis. Since supporting evidence is limited at this time, the clinical significance of this alteration remains unclear.

Victorian Clinical Genetics Services, Murdoch Childrens Research Institute
Classification: Uncertain significance for Gorlin syndrome. Last evaluated: 2023-07-17. Review status: criteria provided, single submitter. Criteria: ACMG Guidelines, 2015. Collection method: clinical testing. Allele origin: germline. Inheritance: Autosomal dominant inheritance. Affected: yes.
Comment: Based on the classification scheme VCGS_Germline_v1.1.1, this variant is classified as VUS – 3B. Following criteria are met: 0102 - Loss-of-function is a known mechanism of disease for this gene. (N) 0107 - This gene is known to be associated with autosomal dominant disease. (N) 0200 - Variant is predicted to result in a missense amino acid change from an alanine to a threonine (exon 11). (N) 0251 - Variant is heterozygous. (N) 0302 - Variant is present in gnomAD <0.001 for a dominant condition (1 heterozygote, 0 homozygotes). (P) 0309 - An alternative amino acid change at the same position has been observed in gnomAD (1 heterozygote, 0 homozygotes). (N) 0502 - Missense variant with conflicting in silico predictions and/or uninformative conservation. (N) 0600 - Variant is located in an annotated domain or motif (patched domain; PDB). (N) 0708 – A comparable variant (p.Ala455Val) has been previously reported as a variant of uncertain significance (ClinVar). (N) 0804 - Variant has previously been described as a variant of uncertain significance (ClinVar). (N) 0905 - No segregation evidence has been identified for this variant. (N) 1007 - No published functional evidence has been identified for this variant. (N) Legend: (P) - Pathogenic, (N) - Neutral, (B) - Benign

Labcorp Genetics (formerly Invitae), Labcorp
Classification: Benign for Gorlin syndrome. Last evaluated: 2023-03-20. Review status: criteria provided, single submitter. Criteria: Invitae Variant Classification Sherloc (09022015). Collection method: clinical testing. Allele origin: germline.

NM_000264.5(PTCH1):c.1561G>A (p.Ala521Thr)

Gene: PTCH1 (patched 1; minus strand). Cytogenetic location: 9q22.32.
Variant type: single nucleotide variant.
Coding change: c.1561G>A on transcript NM_000264.5 (MANE Select); coding-DNA position 1561, G replaced by A.
Protein change: p.Ala521Thr; replaces alanine 521 with threonine.
Molecular consequence: missense variant. On other transcripts: non-coding transcript variant (1).
Genome position (GRCh38, 1-based): chr9:95,476,800, C>T on the plus strand (G>A on the coding strand, the complement: PTCH1 is on the minus strand). VCF-style: chr9-95476800-C-T. GRCh37 (hg19) VCF-style: chr9-98239082-C-T.
Other names: c.1363G>A, p.Ala455Thr (NM_001083602.3); c.1558G>A, p.Ala520Thr (NM_001083603.3); c.1108G>A, p.Ala370Thr (NM_001083604.3, NM_001083605.3, NM_001083606.3 and 1 more transcripts); c.1405G>A, p.Ala469Thr (NM_001354918.2); short protein forms A521T, A520T, A370T, A469T, A455T.
Identifiers: ClinVar variation 659236 (VCV000659236.18), dbSNP rs781101191, ClinGen allele CA5138622.